The following is an entry in ClinVar:

NM_004082.5(DCTN1):c.2840A>G (p.Asp947Gly)

Gene: DCTN1 (dynactin subunit 1; minus strand). Cytogenetic location: 2p13.1.
Variant type: single nucleotide variant.
Coding change: c.2840A>G on transcript NM_004082.5 (MANE Select); coding-DNA position 2840, A replaced by G.
Protein change: p.Asp947Gly; replaces aspartic acid 947 with glycine.
Molecular consequence: missense variant. On other transcripts: non-coding transcript variant (1).
Genome position (GRCh38, 1-based): chr2:74,365,939, T>C on the plus strand (A>G on the coding strand, the complement: DCTN1 is on the minus strand). VCF-style: chr2-74365939-T-C. GRCh37 (hg19) VCF-style: chr2-74593066-T-C.
Other names: c.2780A>G, p.Asp927Gly (NM_001135040.3); c.2438A>G, p.Asp813Gly (NM_001135041.3, NM_023019.4); c.2729A>G, p.Asp910Gly (NM_001190836.2); c.2819A>G, p.Asp940Gly (NM_001190837.2); c.2789A>G, p.Asp930Gly (NM_001378991.1); c.2771A>G, p.Asp924Gly (NM_001378992.1); short protein forms D813G, D930G, D940G, D910G, D927G, D924G, D947G.
Identifiers: ClinVar variation 1796710 (VCV001796710.3), dbSNP rs2529108142, ClinGen allele CA347342469.
Genomic context (GRCh38, chr2:74,365,939, plus strand): 5'-TACACTACCCTCACCTTAATCTTGAGTGACTTCTTCAACTCCTTAATAACTGTCTCTCGA[T>C]CTTCGAGCTTCAAACCCAGGCCTTCAGCATCTGTGATCTCTGCACGAAGGGCAGCAGCCC-3'
Protein context (NP_004073.2, residues 937-957): DAEGLGLKLE[Asp947Gly]RETVIKELKK

ClinVar aggregate classification (germline): Uncertain significance. Review status: criteria provided, multiple submitters, no conflicts (2 of 4 stars). 2 submissions from 2 submitters: Uncertain significance (2). Last evaluated 2023-12-05.

Conditions:
Inborn genetic diseases. Identifiers: MedGen C0950123, MeSH D030342.

Submissions (2):

GeneDx
Classification: Uncertain significance. Last evaluated: 2023-12-05. Review status: criteria provided, single submitter. Criteria: GeneDx Variant Classification Process June 2021. Collection method: clinical testing. Allele origin: germline. Affected: yes.
Comment: Not observed at significant frequency in large population cohorts (gnomAD); In silico analysis supports that this missense variant does not alter protein structure/function; Has not been previously published as pathogenic or benign to our knowledge

Ambry Genetics
Classification: Uncertain significance for Inborn genetic diseases. Last evaluated: 2022-01-26. Review status: criteria provided, single submitter. Criteria: Ambry Variant Classification Scheme 2023. Collection method: clinical testing. Allele origin: germline.
Comment: The p.D947G variant (also known as c.2840A>G), located in coding exon 24 of the DCTN1 gene, results from an A to G substitution at nucleotide position 2840. The aspartic acid at codon 947 is replaced by glycine, an amino acid with similar properties. This amino acid position is conserved. In addition, this alteration is predicted to be deleterious by in silico analysis. Since supporting evidence is limited at this time, the clinical significance of this alteration remains unclear.